The following is an entry in ClinVar:

ClinVar aggregate classification (germline): Conflicting classifications of pathogenicity. Review status: criteria provided, conflicting classifications (1 of 4 stars). 28 submissions from 24 submitters: Uncertain significance (8); Benign (4); Likely benign (10). 6 of the submissions do not count toward it. Last evaluated 2026-02-01.

Conditions:
Cardiovascular phenotype. Identifiers: MedGen CN230736.
TTN-related disorder. Also called: TTN-related condition; TTN-related disease; TTN-related disorders.
Cardiomyopathy (CMYO). Also called: Cardiomyopathies. Identifiers: Orphanet 167848, MedGen C0878544, MONDO:0004994, HP:0001638. Inheritance: Various modes of inheritance.
Primary dilated cardiomyopathy (DCM). Also called: Dilated Cardiomyopathy. Identifiers: Orphanet 217604, MedGen C0007193, MeSH D002311, MONDO:0005021, HP:0001644. Inheritance: Various modes of inheritance.
Dilated cardiomyopathy 1G (CMD1G). Identifiers: Orphanet 154, MedGen C1858763, MONDO:0011400, OMIM 604145.
Autosomal recessive limb-girdle muscular dystrophy type 2J (LGMDR10). Also called: Limb-girdle muscular dystrophy, type 2J; MUSCULAR DYSTROPHY, LIMB-GIRDLE, AUTOSOMAL RECESSIVE 10. Identifiers: Orphanet 140922, MedGen C1837342, MONDO:0012127, OMIM 608807.
Early-onset myopathy with fatal cardiomyopathy (CMYO5). Also called: Salih Myopathy; CONGENITAL MYOPATHY 5 WITH CARDIOMYOPATHY. Identifiers: Orphanet 289377, MedGen C2673677, MONDO:0012714, OMIM 611705. Disease mechanism: loss of function.
Myopathy, myofibrillar, 9, with early respiratory failure (MFM9). Also called: Hereditary myopathy with early respiratory failure; Myopathy, distal, with early respiratory failure, autosomal dominant; EDSTROM MYOPATHY; MYOPATHY, PROXIMAL, WITH EARLY RESPIRATORY MUSCLE INVOLVEMENT. Identifiers: Orphanet 178464, Orphanet 34521, MedGen C1863599, MONDO:0011362, OMIM 603689.
Tibial muscular dystrophy (TMD). Also called: Udd Distal Myopathy – Tibial Muscular Dystrophy; Tibial muscular dystrophy, tardive; UDD MYOPATHY. Identifiers: Orphanet 609, MedGen C1838244, MONDO:0010870, OMIM 600334.

Allele frequency attached by ClinVar (database versions not stated): 1000 Genomes Project 30x 0.00016; 1000 Genomes Project 0.00020; TOPMed 0.00080; gnomAD 0.00115; ExAC 0.00123; ESP Exome Variant Server 0.00129.
gnomAD v4.1: 2,138 of 1,612,904 alleles (0.13%); highest among the groups gnomAD compares: Non-Finnish European, 0.17%; 4 homozygotes.

Submissions 1 to 19 of 28:

CeGaT Center for Human Genetics Tuebingen
Classification: Likely benign. Last evaluated: 2026-02-01. Review status: criteria provided, single submitter. Criteria: CeGaT Center For Human Genetics Tuebingen Variant Classification Criteria Version 2. Collection method: clinical testing. Allele origin: germline. Affected: yes. Observed: 4 variant alleles.
Comment: TTN: BP4

Labcorp Genetics (formerly Invitae), Labcorp
Classification: Likely benign for Dilated cardiomyopathy 1G; Autosomal recessive limb-girdle muscular dystrophy type 2J. Last evaluated: 2026-01-31. Review status: criteria provided, single submitter. Criteria: Invitae Variant Classification Sherloc (09022015). Collection method: clinical testing. Allele origin: germline.

Athena Diagnostics
Classification: Benign. Last evaluated: 2025-07-17. Review status: criteria provided, single submitter. Criteria: Athena Diagnostics Criteria. Collection method: clinical testing. Allele origin: unknown.
Comment: The frequency of this variant in the general population is higher than would generally be expected for pathogenic variants in this gene.

Revvity Omics, Revvity
Classification: Uncertain significance. Last evaluated: 2025-07-04. Review status: criteria provided, single submitter. Criteria: ACMG Guidelines, 2015. Collection method: clinical testing. Allele origin: germline.

Molecular Diagnostic Laboratory for Inherited Cardiovascular Disease, Montreal Heart Institute
Classification: Likely benign. Last evaluated: 2025-04-09. Review status: criteria provided, single submitter. Criteria: ACMG Guidelines, 2015. Collection method: clinical testing. Allele origin: germline. Affected: no.

Women's Health and Genetics/Laboratory Corporation of America, LabCorp
Classification: Likely benign. Last evaluated: 2025-03-31. Review status: criteria provided, single submitter. Criteria: LabCorp Variant Classification Summary - May 2015. Collection method: clinical testing. Allele origin: germline.

Mayo Clinic Laboratories, Mayo Clinic
Classification: Likely benign. Last evaluated: 2024-12-09. Review status: criteria provided, single submitter. Criteria: ACMG Guidelines, 2015. Collection method: clinical testing. Allele origin: germline. Observed: 7 variant alleles.
Comment: BS1, BS2_supporting, BP1, BP5

Blueprint Genetics
Classification: Likely benign. Last evaluated: 2024-11-13. Review status: criteria provided, single submitter. Criteria: ACMG Guidelines, 2015. Collection method: clinical testing. Allele origin: germline.

ARUP Laboratories, Molecular Genetics and Genomics, ARUP Laboratories
Classification: Uncertain significance. Last evaluated: 2023-11-29. Review status: criteria provided, single submitter. Criteria: ARUP Molecular Germline Variant Investigation Process 2024. Collection method: clinical testing. Allele origin: germline.
Comment: The TTN c.45148C>T; p.Arg15050Cys variant is rare in the general population (<1% allele frequency in the Genome Aggregation Database) and have not been reported in the medical literature in association with dilated cardiomyopathy (DCM) or other TTN-related disease. The clinical relevance of rare missense variants in this gene, which are identified on average once per individual sequenced in affected populations (Herman 2012), is not well understood. While the clinical significance of such variants is considered uncertain, evidence suggests that the vast majority of missense variants do not contribute to the clinical outcome of DCM (Begay 2015). Given the available evidence, the clinical significance of the c.45148C>T; p.Arg15050Cys variant cannot be determined with certainty.

GeneDx
Classification: Likely benign. Last evaluated: 2021-01-08. Review status: criteria provided, single submitter. Criteria: GeneDx Variant Classification Process June 2021. Collection method: clinical testing. Allele origin: germline. Affected: yes.

CHEO Genetics Diagnostic Laboratory, Children's Hospital of Eastern Ontario
Classification: Benign for Cardiomyopathy. Last evaluated: 2020-07-02. Review status: criteria provided, single submitter. Criteria: ACMG Guidelines, 2015. Collection method: clinical testing. Allele origin: germline.

Center for Advanced Laboratory Medicine, UC San Diego Health, University of California San Diego
Classification: Likely benign for Dilated cardiomyopathy; Cardiomyopathy. Last evaluated: 2019-05-14. Review status: criteria provided, single submitter. Criteria: ACMG Guidelines, 2015. Collection method: clinical testing. Allele origin: germline. Affected: yes. Observed: 4 variant alleles.

Ambry Genetics
Classification: Likely benign for Cardiovascular phenotype. Last evaluated: 2019-03-28. Review status: criteria provided, single submitter. Criteria: Ambry Variant Classification Scheme 2023. Collection method: clinical testing. Allele origin: germline.

Eurofins Ntd Llc (ga)
Classification: Uncertain significance. Last evaluated: 2018-06-01. Review status: criteria provided, single submitter. Criteria: EGL ClinVar v180209 classification definitions. Collection method: clinical testing. Allele origin: germline. Observed: 22 variant alleles, 22 heterozygotes.

Illumina Laboratory Services, Illumina
Classification: Uncertain significance for Dilated cardiomyopathy 1G. Last evaluated: 2017-04-27. Review status: criteria provided, single submitter. Criteria: ICSL Variant Classification Criteria 13 December 2019. Collection method: clinical testing. Allele origin: germline.

Illumina Laboratory Services, Illumina
Classification: Uncertain significance for Autosomal recessive limb-girdle muscular dystrophy type 2J. Last evaluated: 2017-04-27. Review status: criteria provided, single submitter. Criteria: ICSL Variant Classification Criteria 13 December 2019. Collection method: clinical testing. Allele origin: germline.

Illumina Laboratory Services, Illumina
Classification: Uncertain significance for Early-onset myopathy with fatal cardiomyopathy. Last evaluated: 2017-04-27. Review status: criteria provided, single submitter. Criteria: ICSL Variant Classification Criteria 13 December 2019. Collection method: clinical testing. Allele origin: germline.

Illumina Laboratory Services, Illumina
Classification: Benign for Tibial muscular dystrophy. Last evaluated: 2017-04-27. Review status: criteria provided, single submitter. Criteria: ICSL Variant Classification Criteria 13 December 2019. Collection method: clinical testing. Allele origin: germline.
Comment: This variant was observed as part of a predisposition screen in an ostensibly healthy population. A literature search was performed for the gene, cDNA change, and amino acid change (where applicable). No publications were found based on this search. Allele frequency data from public databases was too high to be consistent with this variant causing disease. Therefore, this variant is classified as benign.

Illumina Laboratory Services, Illumina
Classification: Benign for Myopathy, myofibrillar, 9, with early respiratory failure. Last evaluated: 2017-04-27. Review status: criteria provided, single submitter. Criteria: ICSL Variant Classification Criteria 13 December 2019. Collection method: clinical testing. Allele origin: germline.
Comment: the same text as in the submission from Illumina Laboratory Services, Illumina above.

NM_001267550.2(TTN):c.52852C>T (p.Arg17618Cys)

Genes: TTN (titin; minus strand), TTN-AS1 (TTN antisense RNA 1; plus strand), LOC126806425 (BRD4-independent group 4 enhancer GRCh37_chr2:179471933-179473132; plus strand). Cytogenetic location: 2q31.2.
Variant type: single nucleotide variant.
Coding change: c.52852C>T on transcript NM_001267550.2 (MANE Select); coding-DNA position 52852, C replaced by T.
Protein change: p.Arg17618Cys; replaces arginine 17618 with cysteine.
Molecular consequence: missense variant.
Genome position (GRCh38, 1-based): chr2:178,607,935, G>A on the plus strand (C>T on the coding strand, the complement: TTN is on the minus strand). VCF-style: chr2-178607935-G-A. GRCh37 (hg19) VCF-style: chr2-179472662-G-A.
Other names: p.Arg15977Cys; c.47929C>T, p.Arg15977Cys (NM_001256850.1); c.45148C>T, p.Arg15050Cys (NM_133378.4); c.25657C>T, p.Arg8553Cys (NM_003319.4); c.26032C>T, p.Arg8678Cys (NM_133432.3); c.26233C>T, p.Arg8745Cys (NM_133437.4); c.52852C>T (NM_001267550.1); short protein forms R17618C, R15050C, R15977C, R8678C, R8553C, R8745C.
Identifiers: ClinVar variation 47066 (VCV000047066.96), dbSNP rs201213901, ClinGen allele CA139904.